The following is an entry in ClinVar:

ClinVar aggregate classification (germline): Uncertain significance (1 of 4 stars; one submission).

Conditions:
Amelogenesis imperfecta type 1A. Also called: Amelogenesis imperfecta local hypoplastic; Amelogenesis imperfecta, hypoplastic type; Amelogenesis imperfecta, type IA; AMELOGENESIS IMPERFECTA, HYPOPLASTIC TYPE IA. Identifiers: Orphanet 88661, MedGen C4011403, MONDO:0007094, OMIM 104530.

Submission:

Baylor Genetics
Classification: Uncertain significance for Amelogenesis imperfecta type 1A. Last evaluated: 2019-07-23. Review status: criteria provided, single submitter. Criteria: ACMG Guidelines, 2015. Collection method: clinical testing. Allele origin: unknown. Affected: yes.
Comment: This variant was determined to be of uncertain significance according to ACMG Guidelines, 2015 [PMID:25741868].

NM_000228.3(LAMB3):c.655_656delinsTC (p.Val219Ser)

Gene: LAMB3 (laminin subunit beta 3; minus strand). Cytogenetic location: 1q32.2.
Variant type: Indel.
Coding change: c.655_656delinsTC on transcript NM_000228.3 (MANE Select); coding-DNA positions 655 to 656, GT replaced by TC.
Protein change: p.Val219Ser; replaces valine 219 with serine.
Molecular consequence: missense variant.
Genome position (GRCh38, 1-based): chr1:209,632,749-209,632,750, AC replaced by GA on the plus strand (GT replaced by TC on the coding strand, the reverse complement: LAMB3 is on the minus strand). VCF-style: chr1-209632749-AC-GA. GRCh37 (hg19) VCF-style: chr1-209806094-AC-GA.
Other names: c.655_656delinsTC, p.Val219Ser (NM_001017402.2, NM_001127641.1); short protein forms V219S.
Identifiers: ClinVar variation 1030687 (VCV001030687.1), dbSNP rs1666739864, ClinGen allele CA2484302021.